The following is an entry in ClinVar:

NM_201253.3(CRB1):c.2541_2542del (p.Phe848fs)

Gene: CRB1 (crumbs cell polarity complex component 1; plus strand). Cytogenetic location: 1q31.3.
Variant type: Deletion.
Coding change: c.2541_2542del on transcript NM_201253.3 (MANE Select); coding-DNA positions 2541 to 2542, 2 bases deleted (CT; older notation c.2541_2542delCT).
Protein change: p.Phe848fs; shifts the reading frame from phenylalanine 848.
Molecular consequence: frameshift variant. On other transcripts: non-coding transcript variant (2), intron variant (1).
Genome position (GRCh38, 1-based): chr1:197,427,866-197,427,867, CT deleted; deleting any 2 consecutive bases within chr1:197,427,865-197,427,867 gives the same sequence; the c. name uses the placement nearest the transcript's 3' end. VCF-style (leftmost placement, unchanged base first): chr1-197427864-TTC-T. GRCh37 (hg19) VCF-style: chr1-197396994-TTC-T.
Other names: c.2205_2206del, p.Phe736fs (NM_001193640.2); c.2334_2335del, p.Phe779fs (NM_001257965.2); c.2128+5910_2128+5911del (NM_001257966.2); short protein forms F736fs, F779fs, F848fs.
Identifiers: ClinVar variation 1447297 (VCV001447297.6), dbSNP rs2125485040, ClinGen allele CA2573131446.
Genomic context (GRCh38, chr1:197,427,864, plus strand): 5'-GGAGATGTCATCTACATTGGTGGCCTACCTGACAAGCAAGAGACTGAACTTAATGGTGGA[TTC>T]TTCAAAGGCTGTATCCAAGATGTAAGACTAAACAACCAAAATCTGGAATTCTTTCCAAAT-3'

ClinVar aggregate classification (germline): Pathogenic (1 of 4 stars; one submission).

Conditions:
Retinitis pigmentosa 12 (RP12). Also called: RP WITH OR WITHOUT PRESERVED PARAARTERIOLE RETINAL PIGMENT EPITHELIUM; RETINITIS PIGMENTOSA WITH OR WITHOUT PARAARTERIOLAR PRESERVATION OF RETINAL PIGMENT EPITHELIUM; RP WITH OR WITHOUT PPRPE. Identifiers: Orphanet 791, MedGen C1838647, MONDO:0010818, OMIM 600105.
Leber congenital amaurosis 8 (LCA8). Identifiers: Orphanet 65, MedGen C3151202, MONDO:0013453, OMIM 613835.

Submission:

Labcorp Genetics (formerly Invitae), Labcorp
Classification: Pathogenic for Leber congenital amaurosis 8; Retinitis pigmentosa 12. Last evaluated: 2021-10-20. Review status: criteria provided, single submitter. Criteria: Invitae Variant Classification Sherloc (09022015). Collection method: clinical testing. Allele origin: germline.
Comment: For these reasons, this variant has been classified as Pathogenic. This variant is also known as c.2540_2541delTC. This premature translational stop signal has been observed in individual(s) with CRB1-related conditions (PMID: 26047050, 30029497). This variant is not present in population databases (ExAC no frequency). This sequence change creates a premature translational stop signal (p.Phe848Glnfs*60) in the CRB1 gene. It is expected to result in an absent or disrupted protein product. Loss-of-function variants in CRB1 are known to be pathogenic (PMID: 10508521, 22065545, 23379534, 25412400, 26957898, 28041643, 29391521).

Literature cited by the submitters: PubMed 26047050; PubMed 30029497; PubMed 10508521; PubMed 22065545; PubMed 23379534; PubMed 25412400; PubMed 26957898; PubMed 28041643; PubMed 29391521.